The following is an entry in ClinVar:

ClinVar aggregate classification (germline): Uncertain significance (1 of 4 stars; one submission).

gnomAD v4.1: 3 of 1,614,160 alleles (0.00019%); highest among the groups gnomAD compares: Non-Finnish European, 0.00025%; no homozygotes.

Submission:

Labcorp Genetics (formerly Invitae), Labcorp
Classification: Uncertain significance. Last evaluated: 2024-03-14. Review status: criteria provided, single submitter. Criteria: Invitae Variant Classification Sherloc (09022015). Collection method: clinical testing. Allele origin: germline.
Comment: This sequence change creates a premature translational stop signal (p.Gln600*) in the AK7 gene. It is expected to result in an absent or disrupted protein product. However, the current clinical and genetic evidence is not sufficient to establish whether loss-of-function variants in AK7 cause disease. This variant is present in population databases (no rsID available, gnomAD 0.0009%). This variant has not been reported in the literature in individuals affected with AK7-related conditions. Algorithms developed to predict the effect of sequence changes on RNA splicing suggest that this variant may create or strengthen a splice site. In summary, the available evidence is currently insufficient to determine the role of this variant in disease. Therefore, it has been classified as a Variant of Uncertain Significance.

NM_152327.5(AK7):c.1798C>T (p.Gln600Ter)

Gene: AK7 (adenylate kinase 7; plus strand). Cytogenetic location: 14q32.2.
Variant type: single nucleotide variant.
Coding change: c.1798C>T on transcript NM_152327.5 (MANE Select); coding-DNA position 1798, C replaced by T.
Protein change: p.Gln600Ter; replaces glutamine 600 with a stop codon.
Molecular consequence: nonsense.
Genome position (GRCh38, 1-based): chr14:96,483,043, C>T. VCF-style: chr14-96483043-C-T. GRCh37 (hg19) VCF-style: chr14-96949380-C-T.
Other names: c.1729C>T, p.Gln577Ter (NM_001350888.2, NM_001350890.2); c.1720C>T, p.Gln574Ter (NM_001350891.2); c.1600C>T, p.Gln534Ter (NM_001350892.2); short protein forms Q577*, Q574*, Q534*, Q600*.
Identifiers: ClinVar variation 3685120 (VCV003685120.1).